The following is an entry in ClinVar:

NM_000548.5(TSC2):c.3587A>G (p.Glu1196Gly)

Gene: TSC2 (TSC complex subunit 2; plus strand). Cytogenetic location: 16p13.3.
Variant type: single nucleotide variant.
Coding change: c.3587A>G on transcript NM_000548.5 (MANE Select); coding-DNA position 3587, A replaced by G.
Protein change: p.Glu1196Gly; replaces glutamic acid 1196 with glycine.
Molecular consequence: missense variant.
Genome position (GRCh38, 1-based): chr16:2,080,354, A>G. VCF-style: chr16-2080354-A-G. GRCh37 (hg19) VCF-style: chr16-2130355-A-G.
Other names: c.3455A>G, p.Glu1152Gly (NM_001077183.3, NM_001370404.1); c.3587A>G, p.Glu1196Gly (NM_001114382.3); c.3347A>G, p.Glu1116Gly (NM_001318827.2); c.3311A>G, p.Glu1104Gly (NM_001318829.2); c.2855A>G, p.Glu952Gly (NM_001318831.2); c.3488A>G, p.Glu1163Gly (NM_001318832.2); c.3458A>G, p.Glu1153Gly (NM_001363528.2, NM_001370405.1, NM_021055.3); short protein forms E1116G, E1152G, E1163G, E1104G, E1153G, E952G, E1196G.
Identifiers: ClinVar variation 1393717 (VCV001393717.6), dbSNP rs2151462165, ClinGen allele CA394289670.

ClinVar aggregate classification (germline): Uncertain significance (1 of 4 stars; one submission).

Conditions:
Tuberous sclerosis 2 (TSC2). Identifiers: Orphanet 805, MedGen C1860707, MONDO:0013199, OMIM 613254.

Submission:

Labcorp Genetics (formerly Invitae), Labcorp
Classification: Uncertain significance for Tuberous sclerosis 2. Last evaluated: 2021-11-17. Review status: criteria provided, single submitter. Criteria: Invitae Variant Classification Sherloc (09022015). Collection method: clinical testing. Allele origin: germline.
Comment: This sequence change replaces glutamic acid, which is acidic and polar, with glycine, which is neutral and non-polar, at codon 1196 of the TSC2 protein (p.Glu1196Gly). In summary, the available evidence is currently insufficient to determine the role of this variant in disease. Therefore, it has been classified as a Variant of Uncertain Significance. Advanced modeling of protein sequence and biophysical properties (such as structural, functional, and spatial information, amino acid conservation, physicochemical variation, residue mobility, and thermodynamic stability) performed at Invitae indicates that this missense variant is expected to disrupt TSC2 protein function. This variant has not been reported in the literature in individuals affected with TSC2-related conditions. This variant is not present in population databases (gnomAD no frequency).